The following is an entry in ClinVar:

ClinVar aggregate classification (germline): Uncertain significance (1 of 4 stars; one submission).

Conditions:
Peroxisome biogenesis disorder 12A (Zellweger). Also called: Peroxisome biogenesis disorder 12A. Identifiers: Orphanet 912, MedGen C3554002, MONDO:0013951, OMIM 614886.

Submission:

Labcorp Genetics (formerly Invitae), Labcorp
Classification: Uncertain significance for Peroxisome biogenesis disorder 12A (Zellweger). Last evaluated: 2022-11-15. Review status: criteria provided, single submitter. Criteria: Invitae Variant Classification Sherloc (09022015). Collection method: clinical testing. Allele origin: germline.
Comment: In summary, the available evidence is currently insufficient to determine the role of this variant in disease. Therefore, it has been classified as a Variant of Uncertain Significance. Algorithms developed to predict the effect of missense changes on protein structure and function are either unavailable or do not agree on the potential impact of this missense change (SIFT: "Tolerated"; PolyPhen-2: "Possibly Damaging"; Align-GVGD: "Class C0"). ClinVar contains an entry for this variant (Variation ID: 1356444). This variant has not been reported in the literature in individuals affected with PEX19-related conditions. This variant is not present in population databases (gnomAD no frequency). This sequence change replaces alanine, which is neutral and non-polar, with aspartic acid, which is acidic and polar, at codon 4 of the PEX19 protein (p.Ala4Asp).

NM_002857.4(PEX19):c.11C>A (p.Ala4Asp)

Gene: PEX19 (peroxisomal biogenesis factor 19; minus strand). Cytogenetic location: 1q23.2.
Variant type: single nucleotide variant.
Coding change: c.11C>A on transcript NM_002857.4 (MANE Select); coding-DNA position 11, C replaced by A.
Protein change: p.Ala4Asp; replaces alanine 4 with aspartic acid.
Molecular consequence: missense variant. On other transcripts: non-coding transcript variant (2).
Genome position (GRCh38, 1-based): chr1:160,285,114, G>T on the plus strand (C>A on the coding strand, the complement: PEX19 is on the minus strand). VCF-style: chr1-160285114-G-T. GRCh37 (hg19) VCF-style: chr1-160254904-G-T.
Other names: c.11C>A, p.Ala4Asp (NM_001193644.1); short protein forms A4D.
Identifiers: ClinVar variation 1356444 (VCV001356444.6), dbSNP rs766641297, ClinGen allele CA343266186.